The following is an entry in ClinVar:

ClinVar aggregate classification (germline): Uncertain significance. Review status: criteria provided, multiple submitters, no conflicts (2 of 4 stars). 2 submissions from 2 submitters: Uncertain significance (2). Last evaluated 2026-09-03.

Conditions:
PLXNA3-related disorder. Also called: PLXNA3-related condition.

Allele frequency attached by ClinVar (database versions not stated): ExAC 0.00002; gnomAD 0.00002; gnomAD exomes 0.00002; TOPMed 0.00003.
gnomAD v4.1: 27 of 1,203,385 alleles (0.0022%); highest among the groups gnomAD compares: East Asian, 0.0059%; no homozygotes.

Submissions (2):

PreventionGenetics, part of Exact Sciences
Classification: Uncertain significance for PLXNA3-related condition. Last evaluated: 2026-09-03. Review status: criteria provided, single submitter. Criteria: ACMG Guidelines, 2015. Collection method: clinical testing. Allele origin: germline.
Comment: The PLXNA3 c.3641G>A variant is predicted to result in the amino acid substitution p.Arg1214Gln. To our knowledge, this variant has not been reported in the literature. This variant is reported in 0.014% of alleles in individuals of East Asian descent, including one hemizygote in another subpopulation, in gnomAD. Although we suspect that this variant may be benign, at this time, the clinical significance of this variant is uncertain due to the absence of conclusive functional and genetic evidence.

Ambry Genetics
Classification: Uncertain significance. Last evaluated: 2023-12-19. Review status: criteria provided, single submitter. Criteria: Ambry Variant Classification Scheme 2023. Collection method: clinical testing. Allele origin: germline.

NM_017514.5(PLXNA3):c.3641G>A (p.Arg1214Gln)

Gene: PLXNA3 (plexin A3; plus strand). Cytogenetic location: Xq28.
Variant type: single nucleotide variant.
Coding change: c.3641G>A on transcript NM_017514.5 (MANE Select); coding-DNA position 3641, G replaced by A.
Protein change: p.Arg1214Gln; replaces arginine 1214 with glutamine.
Molecular consequence: missense variant.
Genome position (GRCh38, 1-based): chrX:154,467,822, G>A. VCF-style: chrX-154467822-G-A. GRCh37 (hg19) VCF-style: chrX-153696165-G-A.
Other names: short protein forms R1214Q.
Identifiers: ClinVar variation 3215564 (VCV003215564.2), dbSNP rs782542687, ClinGen allele CA10564685.